The following is an entry in ClinVar:

NM_002485.5(NBN):c.37G>A (p.Gly13Arg)

Gene: NBN (nibrin; minus strand). Cytogenetic location: 8q21.3.
Variant type: single nucleotide variant.
Coding change: c.37G>A on transcript NM_002485.5 (MANE Select); coding-DNA position 37, G replaced by A.
Protein change: p.Gly13Arg; replaces glycine 13 with arginine.
Molecular consequence: missense variant. On other transcripts: 5 prime UTR variant (1).
Genome position (GRCh38, 1-based): chr8:89,984,525, C>T on the plus strand (G>A on the coding strand, the complement: NBN is on the minus strand). VCF-style: chr8-89984525-C-T. GRCh37 (hg19) VCF-style: chr8-90996753-C-T.
Other names: c.-260G>A (NM_001024688.3); short protein forms G13R.
Identifiers: ClinVar variation 461559 (VCV000461559.18), dbSNP rs757112911, ClinGen allele CA4803099.

ClinVar aggregate classification (germline): Uncertain significance. Review status: criteria provided, multiple submitters, no conflicts (2 of 4 stars). 3 submissions from 3 submitters: Uncertain significance (3). Last evaluated 2023-05-18.

Conditions:
Hereditary cancer-predisposing syndrome. Also called: Hereditary neoplastic syndrome; Neoplastic Syndromes, Hereditary; Tumor predisposition; Hereditary Cancer Syndrome. Identifiers: Orphanet 140162, MedGen C0027672, MeSH D009386, MONDO:0015356.
Microcephaly, normal intelligence and immunodeficiency (NBS). Also called: IMMUNODEFICIENCY, MICROCEPHALY, AND CHROMOSOMAL INSTABILITY; SEEMANOVA SYNDROME II; Nijmegen breakage syndrome; Microcephaly with normal intelligence immunodeficiency and lymphoreticular malignancies; Nonsyndromal microcephaly autosomal recessive with normal intelligence; Seemanova syndrome 2. Identifiers: Orphanet 647, MedGen C0398791, MONDO:0009623, OMIM 251260.

Allele frequency attached by ClinVar (database versions not stated): gnomAD exomes below 0.00001; ExAC 0.00001; gnomAD 0.00001 and 0.00003.
gnomAD v4.1: 2 of 1,612,924 alleles (0.00012%); highest among the groups gnomAD compares: Non-Finnish European, 0.000085%; no homozygotes.

Submissions (3):

Ambry Genetics
Classification: Uncertain significance for Hereditary cancer-predisposing syndrome. Last evaluated: 2023-05-18. Review status: criteria provided, single submitter. Criteria: Ambry Variant Classification Scheme 2023. Collection method: clinical testing. Allele origin: germline.
Comment: The p.G13R variant (also known as c.37G>A), located in coding exon 1 of the NBN gene, results from a G to A substitution at nucleotide position 37. The amino acid change results in glycine to arginine at codon 13, an amino acid with dissimilar properties. However, this change occurs in the last base pair of coding exon 1, which makes it likely to have some effect on normal mRNA splicing. In silico splice site analysis for this alteration is inconclusive. This nucleotide position is highly conserved in available vertebrate species. This amino acid position is highly conserved in available vertebrate species. In addition, this alteration is predicted to be tolerated by in silico analysis. Since supporting evidence is limited at this time, the clinical significance of this alteration remains unclear.

Labcorp Genetics (formerly Invitae), Labcorp
Classification: Uncertain significance for Microcephaly, normal intelligence and immunodeficiency. Last evaluated: 2022-04-28. Review status: criteria provided, single submitter. Criteria: Invitae Variant Classification Sherloc (09022015). Collection method: clinical testing. Allele origin: germline.
Comment: In summary, the available evidence is currently insufficient to determine the role of this variant in disease. Therefore, it has been classified as a Variant of Uncertain Significance. Variants that disrupt the consensus splice site are a relatively common cause of aberrant splicing (PMID: 17576681, 9536098). Algorithms developed to predict the effect of sequence changes on RNA splicing suggest that this variant may create or strengthen a splice site. Algorithms developed to predict the effect of missense changes on protein structure and function are either unavailable or do not agree on the potential impact of this missense change (SIFT: "Deleterious"; PolyPhen-2: "Benign"; Align-GVGD: "Class C0"). ClinVar contains an entry for this variant (Variation ID: 461559). This variant has not been reported in the literature in individuals affected with NBN-related conditions. This variant is present in population databases (rs757112911, gnomAD 0.002%). This sequence change replaces glycine, which is neutral and non-polar, with arginine, which is basic and polar, at codon 13 of the NBN protein (p.Gly13Arg). This variant also falls at the last nucleotide of exon 1, which is part of the consensus splice site for this exon.

Genome-Nilou Lab
Classification: Uncertain significance for Microcephaly, normal intelligence and immunodeficiency. Last evaluated: 2021-11-07. Review status: criteria provided, single submitter. Criteria: ACMG Guidelines, 2015. Collection method: clinical testing. Allele origin: germline. Affected: no.

Literature cited by the submitters: PubMed 17576681 (cited by Labcorp Genetics (formerly Invitae), Labcorp); PubMed 9536098 (cited by Labcorp Genetics (formerly Invitae), Labcorp).